The following is an entry in ClinVar:

ClinVar aggregate classification (germline): Uncertain significance (1 of 4 stars; one submission).

Submission:

Ambry Genetics
Classification: Uncertain significance. Last evaluated: 2021-09-30. Review status: criteria provided, single submitter. Criteria: Ambry Variant Classification Scheme 2023. Collection method: clinical testing. Allele origin: germline.
Comment: The p.T44S variant (also known as c.130A>T), located in coding exon 1 of the TERF2IP gene, results from an A to T substitution at nucleotide position 130. The threonine at codon 44 is replaced by serine, an amino acid with similar properties. This amino acid position is conserved. In addition, this alteration is predicted to be tolerated by in silico analysis. Since supporting evidence is limited at this time, the clinical significance of this alteration remains unclear.

NM_018975.4(TERF2IP):c.130A>T (p.Thr44Ser)

Gene: TERF2IP (TERF2 interacting protein; plus strand). Cytogenetic location: 16q23.1.
Variant type: single nucleotide variant.
Coding change: c.130A>T on transcript NM_018975.4 (MANE Select); coding-DNA position 130, A replaced by T.
Protein change: p.Thr44Ser; replaces threonine 44 with serine.
Molecular consequence: missense variant. On other transcripts: non-coding transcript variant (1).
Genome position (GRCh38, 1-based): chr16:75,648,012, A>T. VCF-style: chr16-75648012-A-T. GRCh37 (hg19) VCF-style: chr16-75681910-A-T.
Other names: short protein forms T44S.
Identifiers: ClinVar variation 1769608 (VCV001769608.2), dbSNP rs2151815675, ClinGen allele CA396817287.
Genomic context (GRCh38, chr16:75,648,012, plus strand): 5'-GACGACGGCAGCTCCATGTCCTTCTACGTGCGGCCCAGCCCGGCCAAGCGTCGGCTGTCG[A>T]CGCTCATCCTGCACGGCGGCGGCACCGTGTGCCGAGTGCAGGAGCCCGGGGCCGTGCTGC-3'
Protein context (NP_061848.2, residues 34-54): RPSPAKRRLS[Thr44Ser]LILHGGGTVC